The following is an entry in ClinVar:

ClinVar aggregate classification (germline): Uncertain significance (1 of 4 stars; one submission).

Conditions:
Charcot-Marie-Tooth disease dominant intermediate E. Also called: CHARCOT-MARIE-TOOTH NEUROPATHY WITH FOCAL SEGMENTAL GLOMERULONEPHRITIS. Identifiers: Orphanet 93114, MedGen C4302667, MONDO:0013758, OMIM 614455.
Focal segmental glomerulosclerosis 5 (FSGS5). Identifiers: Orphanet 656, MedGen C2750475, MONDO:0013191, OMIM 613237.

Submission:

Labcorp Genetics (formerly Invitae), Labcorp
Classification: Uncertain significance for Charcot-Marie-Tooth disease dominant intermediate E; Focal segmental glomerulosclerosis 5. Last evaluated: 2019-03-23. Review status: criteria provided, single submitter. Criteria: Invitae Variant Classification Sherloc (09022015). Collection method: clinical testing. Allele origin: germline.
Comment: Algorithms developed to predict the effect of missense changes on protein structure and function output the following: SIFT: "Tolerated"; PolyPhen-2: "Benign"; Align-GVGD: "Class C0". The arginine amino acid residue is found in multiple mammalian species, suggesting that this missense change does not adversely affect protein function. These predictions have not been confirmed by published functional studies and their clinical significance is uncertain. This variant has not been reported in the literature in individuals with INF2-related conditions. This variant is not present in population databases (ExAC no frequency). This sequence change replaces serine with arginine at codon 351 of the INF2 protein (p.Ser351Arg). The serine residue is weakly conserved and there is a moderate physicochemical difference between serine and arginine. In summary, the available evidence is currently insufficient to determine the role of this variant in disease. Therefore, it has been classified as a Variant of Uncertain Significance.

NM_022489.4(INF2):c.1053C>A (p.Ser351Arg)

Gene: INF2 (inverted formin 2; plus strand). Cytogenetic location: 14q32.33.
Variant type: single nucleotide variant.
Coding change: c.1053C>A on transcript NM_022489.4 (MANE Select); coding-DNA position 1053, C replaced by A.
Protein change: p.Ser351Arg; replaces serine 351 with arginine.
Molecular consequence: missense variant.
Genome position (GRCh38, 1-based): chr14:104,707,320, C>A. VCF-style: chr14-104707320-C-A. GRCh37 (hg19) VCF-style: chr14-105173657-C-A.
Other names: c.1053C>A, p.Ser351Arg (NM_001031714.4); short protein forms S351R.
Identifiers: ClinVar variation 849025 (VCV000849025.9), dbSNP rs1889825135, ClinGen allele CA391215750.